The following is an entry in ClinVar:

NM_003073.5(SMARCB1):c.553G>A (p.Val185Met)

Gene: SMARCB1 (SWI/SNF related BAF chromatin remodeling complex subunit B1; plus strand). Cytogenetic location: 22q11.23.
Variant type: single nucleotide variant.
Coding change: c.553G>A on transcript NM_003073.5 (MANE Select); coding-DNA position 553, G replaced by A.
Protein change: p.Val185Met; replaces valine 185 with methionine.
Molecular consequence: missense variant.
Genome position (GRCh38, 1-based): chr22:23,803,347, G>A. VCF-style: chr22-23803347-G-A. GRCh37 (hg19) VCF-style: chr22-24145534-G-A.
Other names: c.526G>A, p.Val176Met (NM_001007468.3); c.580G>A, p.Val194Met (NM_001317946.2); c.607G>A, p.Val203Met (NM_001362877.2); c.553G>A (NM_003073.3); short protein forms V176M, V185M, V194M, V203M.
Identifiers: ClinVar variation 1060761 (VCV001060761.10), dbSNP rs1251083217, ClinGen allele CA410935721.

ClinVar aggregate classification (germline): Uncertain significance. Review status: criteria provided, multiple submitters, no conflicts (2 of 4 stars). 2 submissions from 2 submitters: Uncertain significance (2). Last evaluated 2025-07-31.

Conditions:
Hereditary cancer-predisposing syndrome. Also called: Neoplastic Syndromes, Hereditary; Hereditary Cancer Syndrome; Hereditary neoplastic syndrome; Tumor predisposition. Identifiers: Orphanet 140162, MedGen C0027672, MeSH D009386, MONDO:0015356.

Allele frequency attached by ClinVar (database versions not stated): gnomAD exomes below 0.00001; gnomAD 0.00001; TOPMed 0.00002.
gnomAD v4.1: 3 of 1,614,078 alleles (0.00019%); highest among the groups gnomAD compares: African/African-American, 0.0027%; no homozygotes.

Submissions (2):

Labcorp Genetics (formerly Invitae), Labcorp
Classification: Uncertain significance. Last evaluated: 2025-07-31. Review status: criteria provided, single submitter. Criteria: Invitae Variant Classification Sherloc (09022015). Collection method: clinical testing. Allele origin: germline.
Comment: This sequence change replaces valine, which is neutral and non-polar, with methionine, which is neutral and non-polar, at codon 185 of the SMARCB1 protein (p.Val185Met). This variant is not present in population databases (gnomAD no frequency). This variant has not been reported in the literature in individuals affected with SMARCB1-related conditions. ClinVar contains an entry for this variant (Variation ID: 1060761). Invitae Evidence Modeling of protein sequence and biophysical properties (such as structural, functional, and spatial information, amino acid conservation, physicochemical variation, residue mobility, and thermodynamic stability) indicates that this missense variant is not expected to disrupt SMARCB1 protein function with a negative predictive value of 80%. In summary, the available evidence is currently insufficient to determine the role of this variant in disease. Therefore, it has been classified as a Variant of Uncertain Significance.

Ambry Genetics
Classification: Uncertain significance for Hereditary cancer-predisposing syndrome. Last evaluated: 2024-02-14. Review status: criteria provided, single submitter. Criteria: Ambry Variant Classification Scheme 2023. Collection method: clinical testing. Allele origin: germline.
Comment: The p.V185M variant (also known as c.553G>A), located in coding exon 5 of the SMARCB1 gene, results from a G to A substitution at nucleotide position 553. The valine at codon 185 is replaced by methionine, an amino acid with highly similar properties. This amino acid position is highly conserved in available vertebrate species. In addition, the in silico prediction for this alteration is inconclusive. Based on the available evidence, the clinical significance of this alteration remains unclear.